The following is an entry in ClinVar:

NM_181426.2(CCDC39):c.1606C>A (p.Leu536Ile)

Gene: CCDC39 (coiled-coil domain 39 molecular ruler complex subunit; minus strand). Cytogenetic location: 3q26.33.
Variant type: single nucleotide variant.
Coding change: c.1606C>A on transcript NM_181426.2 (MANE Select); coding-DNA position 1606, C replaced by A.
Protein change: p.Leu536Ile; replaces leucine 536 with isoleucine.
Molecular consequence: missense variant.
Genome position (GRCh38, 1-based): chr3:180,644,179, G>T on the plus strand (C>A on the coding strand, the complement: CCDC39 is on the minus strand). VCF-style: chr3-180644179-G-T. GRCh37 (hg19) VCF-style: chr3-180361967-G-T.
Other names: short protein forms L536I.
Identifiers: ClinVar variation 2194636 (VCV002194636.1), dbSNP rs532100779, ClinGen allele CA88642745.
Genomic context (GRCh38, chr3:180,644,179, plus strand): 5'-CCTGCTTAAAACCTTTGGCTTTATCAAGTTCTTTCTCTGATCTGTCGATGAAAAGGTTTA[G>T]TTCATTTATTTTGGTCATAAGGGACTGTTTTTCATCACTGTTTTTACTATGTGCCTTCTT-3'
Protein context (NP_852091.1, residues 526-546): KQSLMTKINE[Leu536Ile]NLFIDRSEKE

ClinVar aggregate classification (germline): Uncertain significance (1 of 4 stars; one submission).

Conditions:
Primary ciliary dyskinesia. Also called: Ciliary dyskinesia. Identifiers: Orphanet 244, MedGen C0008780, MONDO:0016575, HP:0012265.

Allele frequency attached by ClinVar (database versions not stated): TOPMed below 0.00001; gnomAD exomes 0.00003.
gnomAD v4.1: 35 of 1,545,082 alleles (0.0023%); highest among the groups gnomAD compares: Non-Finnish European, 0.003%; no homozygotes.

Submission:

Labcorp Genetics (formerly Invitae), Labcorp
Classification: Uncertain significance for Primary ciliary dyskinesia. Last evaluated: 2022-06-21. Review status: criteria provided, single submitter. Criteria: Invitae Variant Classification Sherloc (09022015). Collection method: clinical testing. Allele origin: germline.
Comment: This sequence change replaces leucine, which is neutral and non-polar, with isoleucine, which is neutral and non-polar, at codon 536 of the CCDC39 protein (p.Leu536Ile). The frequency data for this variant in the population databases is considered unreliable, as metrics indicate poor data quality at this position in the gnomAD database. This variant has not been reported in the literature in individuals affected with CCDC39-related conditions. Algorithms developed to predict the effect of missense changes on protein structure and function are either unavailable or do not agree on the potential impact of this missense change (SIFT: "Tolerated"; PolyPhen-2: "Probably Damaging"; Align-GVGD: "Class C0"). In summary, the available evidence is currently insufficient to determine the role of this variant in disease. Therefore, it has been classified as a Variant of Uncertain Significance.